The following is an entry in ClinVar:

NM_153240.5(NPHP3):c.-52T>A

Genes: NPHP3 (nephrocystin 3; minus strand), NPHP3-ACAD11 (NPHP3-ACAD11 readthrough (NMD candidate); minus strand), NPHP3-AS1 (NPHP3 antisense RNA 1; plus strand). Cytogenetic location: 3q22.1.
Variant type: single nucleotide variant.
Coding change: c.-52T>A on transcript NM_153240.5 (MANE Select); 52 bases upstream of the start codon, T replaced by A.
Molecular consequence: 5 prime UTR variant. On other transcripts: non-coding transcript variant (1).
Genome position (GRCh38, 1-based): chr3:132,722,407, A>T on the plus strand (T>A on the coding strand, the complement: NPHP3 is on the minus strand). VCF-style: chr3-132722407-A-T. GRCh37 (hg19) VCF-style: chr3-132441251-A-T.
Identifiers: ClinVar variation 3352273 (VCV003352273.1).

ClinVar aggregate classification (germline): Uncertain significance (0 of 4 stars; one submission).

Conditions:
NPHP3-related disorder. Also called: NPHP3-related disorders; NPHP3-related condition. Identifiers: MedGen CN379163.

gnomAD v4.1: 14 of 1,397,624 alleles (0.001%); highest among the groups gnomAD compares: Admixed American, 0.026%; no homozygotes.

Submission:

PreventionGenetics, part of Exact Sciences
Classification: Uncertain significance for NPHP3-related condition. Last evaluated: 2024-09-05. Review status: no assertion criteria provided. Collection method: clinical testing. Allele origin: germline.
Comment: The NPHP3 c.-52T>A variant is located in the 5' untranslated region. To our knowledge, this variant has not been reported in the literature. This variant is reported in 0.037% of alleles in individuals of Latino descent in gnomAD. At this time, the clinical significance of this variant is uncertain due to the absence of conclusive functional and genetic evidence.